The following is an entry in ClinVar:

NM_032119.4(ADGRV1):c.13232-7A>G

Gene: ADGRV1 (adhesion G protein-coupled receptor V1; plus strand). Cytogenetic location: 5q14.3.
Variant type: single nucleotide variant.
Coding change: c.13232-7A>G on transcript NM_032119.4 (MANE Select); 7 bases into the intron before coding-DNA position 13232, A replaced by G.
Molecular consequence: intron variant.
Genome position (GRCh38, 1-based): chr5:90,783,117, A>G. VCF-style: chr5-90783117-A-G. GRCh37 (hg19) VCF-style: chr5-90078934-A-G.
Identifiers: ClinVar variation 46266 (VCV000046266.28), dbSNP rs2438358, ClinGen allele CA138023.

ClinVar aggregate classification (germline): Benign. Review status: criteria provided, multiple submitters, no conflicts (2 of 4 stars). 6 submissions from 6 submitters: Benign (5). 1 of the submissions does not count toward it. Last evaluated 2026-02-02.

Allele frequency attached by ClinVar (database versions not stated): gnomAD exomes 0.00280 and 0.00726; ExAC 0.00866; gnomAD 0.02860 and 0.03097; ESP Exome Variant Server 0.03079; TOPMed 0.03167; 1000 Genomes Project 30x 0.03404.
gnomAD v4.1: 8,622 of 1,611,722 alleles (0.53%); highest among the groups gnomAD compares: African/African-American, 9.9%; 371 homozygotes.

Submissions (6):

Labcorp Genetics (formerly Invitae), Labcorp
Classification: Benign. Last evaluated: 2026-02-02. Review status: criteria provided, single submitter. Criteria: Invitae Variant Classification Sherloc (09022015). Collection method: clinical testing. Allele origin: germline.

ARUP Laboratories, Molecular Genetics and Genomics, ARUP Laboratories
Classification: Benign. Last evaluated: 2023-10-16. Review status: criteria provided, single submitter. Criteria: ARUP Molecular Germline Variant Investigation Process 2024. Collection method: clinical testing. Allele origin: germline.

GeneDx
Classification: Benign. Last evaluated: 2013-04-04. Review status: criteria provided, single submitter. Criteria: GeneDx Variant Classification (06012015). Collection method: clinical testing. Allele origin: germline. Affected: yes.
Comment: This variant is considered likely benign or benign based on one or more of the following criteria: it is a conservative change, it occurs at a poorly conserved position in the protein, it is predicted to be benign by multiple in silico algorithms, and/or has population frequency not consistent with disease.

Laboratory for Molecular Medicine, Mass General Brigham Personalized Medicine
Classification: Benign. Last evaluated: 2012-05-07. Review status: criteria provided, single submitter. Criteria: LMM Criteria. Collection method: clinical testing. Allele origin: germline. Observed: 36 variant alleles.
Comment: 13232-7A>G in Intron 65 of GPR98: This variant is not expected to have clinical significance because it has been identified in 9.0% (296/3300) of African Americ an chromosomes from a broad population by the NHLBI Exome Sequencing Project (dbSNP rs2438358).

PreventionGenetics, part of Exact Sciences
Classification: Benign. Review status: criteria provided, single submitter. Criteria: ACMG Guidelines, 2015. Collection method: clinical testing. Allele origin: germline.

Genetic Services Laboratory, University of Chicago
Classification: Likely benign. Review status: no assertion criteria provided. Collection method: clinical testing. Allele origin: germline. Inheritance: Autosomal dominant inheritance. Not counted in ClinVar's aggregate classification.
Comment: Likely benign based on allele frequency in 1000 Genomes Project or ESP global frequency and its presence in a patient with a rare or unrelated disease phenotype. NOT Sanger confirmed